The following is an entry in ClinVar:

ClinVar aggregate classification (germline): Uncertain significance (1 of 4 stars; one submission).

Submission:

Labcorp Genetics (formerly Invitae), Labcorp
Classification: Uncertain significance. Last evaluated: 2025-06-11. Review status: criteria provided, single submitter. Criteria: Invitae Variant Classification Sherloc (09022015). Collection method: clinical testing. Allele origin: germline.
Comment: This sequence change replaces alanine, which is neutral and non-polar, with proline, which is neutral and non-polar, at codon 426 of the FH protein (p.Ala426Pro). This variant is not present in population databases (gnomAD no frequency). This variant has not been reported in the literature in individuals affected with FH-related conditions. Invitae Evidence Modeling of protein sequence and biophysical properties (such as structural, functional, and spatial information, amino acid conservation, physicochemical variation, residue mobility, and thermodynamic stability) indicates that this missense variant is expected to disrupt FH protein function with a positive predictive value of 95%. In summary, the available evidence is currently insufficient to determine the role of this variant in disease. Therefore, it has been classified as a Variant of Uncertain Significance.

NM_000143.4(FH):c.1276G>C (p.Ala426Pro)

Gene: FH (fumarate hydratase; minus strand). Cytogenetic location: 1q43.
Variant type: single nucleotide variant.
Coding change: c.1276G>C on transcript NM_000143.4 (MANE Select); coding-DNA position 1276, G replaced by C.
Protein change: p.Ala426Pro; replaces alanine 426 with proline.
Molecular consequence: missense variant.
Genome position (GRCh38, 1-based): chr1:241,500,551, C>G on the plus strand (G>C on the coding strand, the complement: FH is on the minus strand). VCF-style: chr1-241500551-C-G. GRCh37 (hg19) VCF-style: chr1-241663851-C-G.
Other names: short protein forms A426P.
Identifiers: ClinVar variation 4742822 (VCV004742822.1).